The following is an entry in ClinVar:

NM_001365951.3(KIF1B):c.1925C>G (p.Ala642Gly)

Gene: KIF1B (kinesin family member 1B; plus strand). Cytogenetic location: 1p36.22.
Variant type: single nucleotide variant.
Coding change: c.1925C>G on transcript NM_001365951.3 (MANE Select); coding-DNA position 1925, C replaced by G.
Protein change: p.Ala642Gly; replaces alanine 642 with glycine.
Molecular consequence: missense variant.
Genome position (GRCh38, 1-based): chr1:10,296,960, C>G. VCF-style: chr1-10296960-C-G. GRCh37 (hg19) VCF-style: chr1-10357018-C-G.
Other names: c.1925C>G, p.Ala642Gly (NM_001365952.1); c.1787C>G, p.Ala596Gly (NM_001365953.1, NM_015074.3, NM_183416.4); short protein forms A596G, A642G.
Identifiers: ClinVar variation 3534067 (VCV003534067.1).

ClinVar aggregate classification (germline): Uncertain significance (1 of 4 stars; one submission).

gnomAD v4.1: 1 of 1,614,088 alleles (0.000062%); no homozygotes.

Submission:

Ambry Genetics
Classification: Uncertain significance. Last evaluated: 2024-11-02. Review status: criteria provided, single submitter. Criteria: Ambry Variant Classification Scheme 2023. Collection method: clinical testing. Allele origin: germline.
Comment: The p.A596G variant (also known as c.1787C>G), located in coding exon 18 of the KIF1B gene, results from a C to G substitution at nucleotide position 1787. The alanine at codon 596 is replaced by glycine, an amino acid with similar properties. This amino acid position is conserved. In addition, the in silico prediction for this alteration is inconclusive. Based on the available evidence, the clinical significance of this variant remains unclear.